The following is an entry in ClinVar:

ClinVar aggregate classification (germline): Likely pathogenic (1 of 4 stars; one submission).

Conditions:
SLC45A2-related disorder. Also called: SLC45A2-related condition.

Submission:

PreventionGenetics, part of Exact Sciences
Classification: Likely pathogenic for SLC45A2-related condition. Last evaluated: 2023-03-20. Review status: criteria provided, single submitter. Criteria: ACMG Guidelines, 2015. Collection method: clinical testing. Allele origin: germline.
Comment: The SLC45A2 c.764delC variant is predicted to result in a frameshift and premature protein termination (p.Pro255Leufs*25). To our knowledge, this variant has not been reported in the literature or in a large population database, indicating this variant is rare. Frameshift variants in SLC45A2 are expected to be pathogenic. This variant is interpreted as likely pathogenic.

NM_016180.5(SLC45A2):c.764del (p.Pro255fs)

Gene: SLC45A2 (solute carrier family 45 member 2; minus strand). Cytogenetic location: 5p13.2.
Variant type: Deletion.
Coding change: c.764del on transcript NM_016180.5 (MANE Select); coding-DNA position 764, one base deleted (C; older notation c.764delC).
Protein change: p.Pro255fs; shifts the reading frame from proline 255.
Molecular consequence: frameshift variant. On other transcripts: intron variant (1).
Genome position (GRCh38, 1-based): chr5:33,963,815, G deleted on the plus strand (C on the coding strand, the reverse complement: SLC45A2 is on the minus strand); the first of 4 consecutive G bases (chr5:33,963,815-33,963,818); deleting any one gives the same sequence. VCF-style (leftmost placement, unchanged base first): chr5-33963814-AG-A. GRCh37 (hg19) VCF-style: chr5-33963919-AG-A.
Other names: c.764del, p.Pro255fs (NM_001012509.4); c.563-9311del (NM_001297417.4); short protein forms P255fs.
Identifiers: ClinVar variation 2633889 (VCV002633889.1), dbSNP rs2478839974, ClinGen allele CA2695198597.